The following is an entry in ClinVar:

NM_000186.4(CFH):c.2017T>C (p.Cys673Arg)

Gene: CFH (complement factor H; plus strand). Cytogenetic location: 1q31.3.
Variant type: single nucleotide variant.
Coding change: c.2017T>C on transcript NM_000186.4 (MANE Select); coding-DNA position 2017, T replaced by C.
Protein change: p.Cys673Arg; replaces cysteine 673 with arginine.
Molecular consequence: missense variant.
Genome position (GRCh38, 1-based): chr1:196,726,613, T>C. VCF-style: chr1-196726613-T-C. GRCh37 (hg19) VCF-style: chr1-196695743-T-C.
Other names: short protein forms C673R.
Identifiers: ClinVar variation 4291440 (VCV004291440.2).

ClinVar aggregate classification (germline): Likely pathogenic (1 of 4 stars; one submission).

Conditions:
Atypical hemolytic-uremic syndrome. Identifiers: Orphanet 2134, MedGen C2931788, MONDO:0016244.
Factor H deficiency (CFHD). Also called: COMPLEMENT FACTOR H DEFICIENCY; CFH DEFICIENCY. Identifiers: Orphanet 200421, MedGen C0398777, MONDO:0012350, OMIM 609814.

Submission:

Genomenon, Inc
Classification: Likely pathogenic for Atypical hemolytic-uremic syndrome; Factor H deficiency. Last evaluated: 2026-09-17. Review status: criteria provided, single submitter. Criteria: Genomenon Sequence Variant Interpretation Standards - Updated. Collection method: curation. Allele origin: germline. Affected: yes.
Comment: CFH p.Cys673Arg (c.2017T>C) is a missense variant that changes the amino acid at codon 673 from cysteine to arginine. This variant has been observed in at least one proband affected with a CFH-related disorder (PMID: 30890598; 21188423; 22456601). It is absent or not present at a significant frequency in gnomAD. In silico models predict that this variant is possibly or probably damaging. In conclusion, we classify CFH p.Cys673Arg (c.2017T>C) as a likely pathogenic variant.

Literature cited by the submitters: PubMed 30890598; PubMed 21188423; PubMed 22456601.